The following is an entry in ClinVar:

ClinVar aggregate classification (germline): Uncertain significance (1 of 4 stars; one submission).

Conditions:
Glycine encephalopathy. Also called: Non-ketotic hyperglycinemia; Nonketotic hyperglycinemia. Identifiers: Orphanet 407, MedGen C0751748, MONDO:0011612, HP:0008288.

Submission:

Labcorp Genetics (formerly Invitae), Labcorp
Classification: Uncertain significance for Glycine encephalopathy. Last evaluated: 2021-05-20. Review status: criteria provided, single submitter. Criteria: Invitae Variant Classification Sherloc (09022015). Collection method: clinical testing. Allele origin: germline.
Comment: In summary, the available evidence is currently insufficient to determine the role of this variant in disease. Therefore, it has been classified as a Variant of Uncertain Significance. Advanced modeling of protein sequence and biophysical properties (such as structural, functional, and spatial information, amino acid conservation, physicochemical variation, residue mobility, and thermodynamic stability) performed at Invitae indicates that this missense variant is not expected to disrupt GLDC protein function. This variant has not been reported in the literature in individuals with GLDC-related conditions. This variant is not present in population databases (ExAC no frequency). This sequence change replaces lysine with arginine at codon 682 of the GLDC protein (p.Lys682Arg). The lysine residue is moderately conserved and there is a small physicochemical difference between lysine and arginine.

NM_000170.3(GLDC):c.2045A>G (p.Lys682Arg)

Gene: GLDC (glycine decarboxylase; minus strand). Cytogenetic location: 9p24.1.
Variant type: single nucleotide variant.
Coding change: c.2045A>G on transcript NM_000170.3 (MANE Select); coding-DNA position 2045, A replaced by G.
Protein change: p.Lys682Arg; replaces lysine 682 with arginine.
Molecular consequence: missense variant.
Genome position (GRCh38, 1-based): chr9:6,558,566, T>C on the plus strand (A>G on the coding strand, the complement: GLDC is on the minus strand). VCF-style: chr9-6558566-T-C. GRCh37 (hg19) VCF-style: chr9-6558566-T-C.
Other names: short protein forms K682R.
Identifiers: ClinVar variation 1478435 (VCV001478435.8), dbSNP rs1305077560, ClinGen allele CA372881818.
Genomic context (GRCh38, chr9:6,558,566, plus strand): 5'-CACCAGCACTCCCCATCCCGGCCTCTCCCATCTGCTAAGGAGAAGACAAGTACCATGGCC[T>C]TGAGGTGAACTGCATCGATATTCCCATATTTATCCACCTCCACAGGCTGAATCTTCATGC-3'
Protein context (NP_000161.2, residues 672-692): KYGNIDAVHL[Lys682Arg]AMVDKHKENL